The following is an entry in ClinVar:

NM_017777.4(MKS1):c.858+6C>T

Gene: MKS1 (MKS transition zone complex subunit 1; minus strand). Cytogenetic location: 17q22.
Variant type: single nucleotide variant.
Coding change: c.858+6C>T on transcript NM_017777.4 (MANE Select); 6 bases into the intron after coding-DNA position 858, C replaced by T.
Molecular consequence: intron variant.
Genome position (GRCh38, 1-based): chr17:58,212,976, G>A on the plus strand (C>T on the coding strand, the complement: MKS1 is on the minus strand). VCF-style: chr17-58212976-G-A. GRCh37 (hg19) VCF-style: chr17-56290337-G-A.
Other names: c.249+6C>T (NM_001321268.2); c.858+6C>T (NM_001330397.2, NM_001321269.2).
Identifiers: ClinVar variation 863111 (VCV000863111.8), dbSNP rs368774719, ClinGen allele CA8669385.

ClinVar aggregate classification (germline): Conflicting classifications of pathogenicity. Review status: criteria provided, conflicting classifications (1 of 4 stars). 5 submissions from 5 submitters: Uncertain significance (2); Likely benign (1). 2 of the submissions do not count toward it. Last evaluated 2023-02-11.

Conditions:
Meckel syndrome, type 1 (MKS1). Also called: MECKEL-GRUBER SYNDROME, TYPE 1. Identifiers: Orphanet 564, MedGen C3714506, MONDO:0009571, OMIM 249000.
Joubert syndrome. Also called: JOUBERT-BOLTSHAUSER SYNDROME; Familial aplasia of the vermis. Identifiers: Orphanet 475, MedGen C5979921, MONDO:0018772.
Meckel-Gruber syndrome. Also called: Dysencephalia splachnocystica; GRUBER SYNDROME; DYSENCEPHALIA SPLANCHNOCYSTICA. Identifiers: Orphanet 564, MedGen C0265215, MONDO:0018921.
MKS1-related disorder. Also called: MKS1-related disorders; MKS1-related condition. Identifiers: MedGen CN239382.

Allele frequency attached by ClinVar (database versions not stated): gnomAD exomes 0.00001 and 0.00005; ExAC 0.00002; TOPMed 0.00006; gnomAD 0.00007 and 0.00009; ESP Exome Variant Server 0.00016.
gnomAD v4.1: 80 of 1,613,030 alleles (0.005%); highest among the groups gnomAD compares: African/African-American, 0.032%; no homozygotes.

Submissions (5):

Women's Health and Genetics/Laboratory Corporation of America, LabCorp
Classification: Uncertain significance. Last evaluated: 2023-02-11. Review status: criteria provided, single submitter. Criteria: LabCorp Variant Classification Summary - May 2015. Collection method: clinical testing. Allele origin: germline.

Blueprint Genetics
Classification: Likely benign. Last evaluated: 2022-04-03. Review status: criteria provided, single submitter. Criteria: ACMG Guidelines, 2015. Collection method: clinical testing. Allele origin: germline.

Labcorp Genetics (formerly Invitae), Labcorp
Classification: Uncertain significance for Joubert syndrome; Meckel-Gruber syndrome. Last evaluated: 2021-08-13. Review status: criteria provided, single submitter. Criteria: Invitae Variant Classification Sherloc (09022015). Collection method: clinical testing. Allele origin: germline.
Comment: This sequence change falls in intron 8 of the MKS1 gene. It does not directly change the encoded amino acid sequence of the MKS1 protein. It affects a nucleotide within the consensus splice site of the intron. This variant is present in population databases (rs368774719, ExAC 0.02%). This variant has not been reported in the literature in individuals affected with MKS1-related conditions. Variants that disrupt the consensus splice site are a relatively common cause of aberrant splicing (PMID: 17576681, 9536098). Algorithms developed to predict the effect of sequence changes on RNA splicing suggest that this variant is not likely to affect RNA splicing. In summary, the available evidence is currently insufficient to determine the role of this variant in disease. Therefore, it has been classified as a Variant of Uncertain Significance.

PreventionGenetics, part of Exact Sciences
Classification: Likely benign for MKS1-related condition. Last evaluated: 2020-01-23. Review status: no assertion criteria provided. Collection method: clinical testing. Allele origin: germline. Not counted in ClinVar's aggregate classification.
Comment: This variant is classified as likely benign based on ACMG/AMP sequence variant interpretation guidelines (Richards et al. 2015 PMID: 25741868, with internal and published modifications).

Natera, Inc.
Classification: Uncertain significance for Meckel syndrome type 1. Last evaluated: 2020-01-17. Review status: no assertion criteria provided. Collection method: clinical testing. Allele origin: germline. Not counted in ClinVar's aggregate classification.

Literature cited by the submitters: PubMed 17576681 (cited by Labcorp Genetics (formerly Invitae), Labcorp); PubMed 9536098 (cited by Labcorp Genetics (formerly Invitae), Labcorp).